The following is an entry in ClinVar:

ClinVar aggregate classification (germline): Likely pathogenic (1 of 4 stars; one submission).

Conditions:
3-methylcrotonyl-CoA carboxylase 2 deficiency. Also called: 3 alpha methylcrotonyl-CoA carboxylase 2 deficiency; 3 alpha methylcrotonylglycinuria 2; MCC 2 deficiency; Methylcrotonylglycinuria type 2; METHYLCROTONYLGLYCINURIA, TYPE II. Identifiers: Orphanet 6, MedGen C1859499, MONDO:0008862, OMIM 210210.

Submission:

Labcorp Genetics (formerly Invitae), Labcorp
Classification: Likely pathogenic for 3-methylcrotonyl-CoA carboxylase 2 deficiency. Last evaluated: 2023-09-23. Review status: criteria provided, single submitter. Criteria: Invitae Variant Classification Sherloc (09022015). Collection method: clinical testing. Allele origin: germline.
Comment: This sequence change affects a donor splice site in intron 5 of the MCCC2 gene. It is expected to disrupt RNA splicing. Variants that disrupt the donor or acceptor splice site typically lead to a loss of protein function (PMID: 16199547), and loss-of-function variants in MCCC2 are known to be pathogenic (PMID: 11181649, 22642865). This variant is not present in population databases (gnomAD no frequency). This variant has not been reported in the literature in individuals affected with MCCC2-related conditions. Algorithms developed to predict the effect of sequence changes on RNA splicing suggest that this variant may disrupt the consensus splice site. In summary, the currently available evidence indicates that the variant is pathogenic, but additional data are needed to prove that conclusively. Therefore, this variant has been classified as Likely Pathogenic.

Literature cited by the submitters: PubMed 16199547; PubMed 11181649; PubMed 22642865.

NM_022132.5(MCCC2):c.511+1G>T

Gene: MCCC2 (methylcrotonyl-CoA carboxylase subunit 2; plus strand). Cytogenetic location: 5q13.2.
Variant type: single nucleotide variant.
Coding change: c.511+1G>T on transcript NM_022132.5 (MANE Select); the canonical splice donor site of the intron after coding-DNA position 511, G replaced by T.
Molecular consequence: splice donor variant.
Genome position (GRCh38, 1-based): chr5:71,602,634, G>T. VCF-style: chr5-71602634-G-T. GRCh37 (hg19) VCF-style: chr5-70898461-G-T.
Other names: c.511+1G>T (NM_001363147.1).
Identifiers: ClinVar variation 2762976 (VCV002762976.3), dbSNP rs1165990855, ClinGen allele CA360011157.
Genomic context (GRCh38, chr5:71,602,634, plus strand): 5'-AAAAACAATTACGGGCCCAAGAAATTGCCATGCAAAACAGGCTCCCCTGCATCTACTTAG[G>T]CAAGTCACCAGAGTGGTAAAATAAACTATTATTAGCTGGTAAAATGCAAGATAGTTTGGA-3'